The following is an entry in ClinVar:

NM_032119.4(ADGRV1):c.18875A>G (p.Gln6292Arg)

Gene: ADGRV1 (adhesion G protein-coupled receptor V1; plus strand). Cytogenetic location: 5q14.3.
Variant type: single nucleotide variant.
Coding change: c.18875A>G on transcript NM_032119.4 (MANE Select); coding-DNA position 18875, A replaced by G.
Protein change: p.Gln6292Arg; replaces glutamine 6292 with arginine.
Molecular consequence: missense variant. On other transcripts: non-coding transcript variant (1).
Genome position (GRCh38, 1-based): chr5:91,163,854, A>G. VCF-style: chr5-91163854-A-G. GRCh37 (hg19) VCF-style: chr5-90459671-A-G.
Other names: short protein forms Q6292R.
Identifiers: ClinVar variation 1469482 (VCV001469482.8), dbSNP rs2126977790, ClinGen allele CA360432988.

ClinVar aggregate classification (germline): Uncertain significance (1 of 4 stars; one submission).

Submission:

Labcorp Genetics (formerly Invitae), Labcorp
Classification: Uncertain significance. Last evaluated: 2024-01-22. Review status: criteria provided, single submitter. Criteria: Invitae Variant Classification Sherloc (09022015). Collection method: clinical testing. Allele origin: germline.
Comment: This sequence change replaces glutamine, which is neutral and polar, with arginine, which is basic and polar, at codon 6292 of the ADGRV1 protein (p.Gln6292Arg). This variant is not present in population databases (gnomAD no frequency). This missense change has been observed in individual(s) with clinical features of ADGRV1-related conditions (Invitae). ClinVar contains an entry for this variant (Variation ID: 1469482). An algorithm developed to predict the effect of missense changes on protein structure and function (PolyPhen-2) suggests that this variant is likely to be tolerated. In summary, the available evidence is currently insufficient to determine the role of this variant in disease. Therefore, it has been classified as a Variant of Uncertain Significance.